The following is an entry in ClinVar:

NM_000787.4(DBH):c.1075C>T (p.Arg359Cys)

Gene: DBH (dopamine beta-hydroxylase; plus strand). Cytogenetic location: 9q34.2.
Variant type: single nucleotide variant.
Coding change: c.1075C>T on transcript NM_000787.4 (MANE Select); coding-DNA position 1075, C replaced by T.
Protein change: p.Arg359Cys; replaces arginine 359 with cysteine.
Molecular consequence: missense variant.
Genome position (GRCh38, 1-based): chr9:133,647,896, C>T. VCF-style: chr9-133647896-C-T. GRCh37 (hg19) VCF-style: chr9-136513018-C-T.
Other names: short protein forms R359C.
Identifiers: ClinVar variation 1422074 (VCV001422074.4), dbSNP rs151174779, ClinGen allele CA5313306.

ClinVar aggregate classification (germline): Uncertain significance (1 of 4 stars; one submission).

Conditions:
Orthostatic hypotension 1 (ORTHYP1). Also called: Orthostatic hypotension 1, due to DBH deficiency; NORADRENALINE DEFICIENCY; NOREPINEPHRINE DEFICIENCY; Dopamine beta-hydroxylase deficiency. Identifiers: Orphanet 230, MedGen C4746777, MONDO:0009123, OMIM 223360.

Allele frequency attached by ClinVar (database versions not stated): gnomAD exomes 0.00004; ExAC 0.00005; gnomAD 0.00007 and 0.00009; TOPMed 0.00007; ESP Exome Variant Server 0.00008.
gnomAD v4.1: 46 of 1,614,084 alleles (0.0028%); highest among the groups gnomAD compares: African/African-American, 0.013%; no homozygotes.

Submission:

Labcorp Genetics (formerly Invitae), Labcorp
Classification: Uncertain significance for Orthostatic hypotension 1. Last evaluated: 2022-10-04. Review status: criteria provided, single submitter. Criteria: Invitae Variant Classification Sherloc (09022015). Collection method: clinical testing. Allele origin: germline.
Comment: This variant has not been reported in the literature in individuals affected with DBH-related conditions. In summary, the available evidence is currently insufficient to determine the role of this variant in disease. Therefore, it has been classified as a Variant of Uncertain Significance. Algorithms developed to predict the effect of sequence changes on RNA splicing suggest that this variant may create or strengthen a splice site. Advanced modeling of protein sequence and biophysical properties (such as structural, functional, and spatial information, amino acid conservation, physicochemical variation, residue mobility, and thermodynamic stability) performed at Invitae indicates that this missense variant is expected to disrupt DBH protein function. ClinVar contains an entry for this variant (Variation ID: 1422074). This variant is present in population databases (rs151174779, gnomAD 0.01%). This sequence change replaces arginine, which is basic and polar, with cysteine, which is neutral and slightly polar, at codon 359 of the DBH protein (p.Arg359Cys).